The following is an entry in ClinVar:

ClinVar aggregate classification (germline): Benign/Likely benign. Review status: criteria provided, multiple submitters, no conflicts (2 of 4 stars). 2 submissions from 2 submitters: Benign (1); Likely benign (1). Last evaluated 2026-07-01.

Allele frequency attached by ClinVar (database versions not stated): gnomAD 0.00007; ExAC 0.00036; TOPMed 0.00036.
gnomAD v4.1: 154 of 1,613,978 alleles (0.0095%); highest among the groups gnomAD compares: Admixed American, 0.2%; no homozygotes.

Submissions (2):

CeGaT Center for Human Genetics Tuebingen
Classification: Likely benign. Last evaluated: 2026-07-01. Review status: criteria provided, single submitter. Criteria: CeGaT Center For Human Genetics Tuebingen Variant Classification Criteria Version 2. Collection method: clinical testing. Allele origin: germline. Affected: yes. Observed: 2 variant alleles.
Comment: HDAC4: BP4, BP7

Labcorp Genetics (formerly Invitae), Labcorp
Classification: Benign. Last evaluated: 2025-01-27. Review status: criteria provided, single submitter. Criteria: Invitae Variant Classification Sherloc (09022015). Collection method: clinical testing. Allele origin: germline.

NM_001378414.1(HDAC4):c.942C>T (p.Asn314=)

Gene: HDAC4 (histone deacetylase 4; minus strand). Cytogenetic location: 2q37.3.
Variant type: single nucleotide variant.
Coding change: c.942C>T on transcript NM_001378414.1 (MANE Select); coding-DNA position 942, C replaced by T.
Protein change: p.Asn314=; no amino-acid change (asparagine 314 retained).
Molecular consequence: synonymous variant.
Genome position (GRCh38, 1-based): chr2:239,139,720, G>A on the plus strand (C>T on the coding strand, the complement: HDAC4 is on the minus strand). VCF-style: chr2-239139720-G-A. GRCh37 (hg19) VCF-style: chr2-240061416-G-A.
Other names: c.942C>T, p.Asn314= (NM_001378415.1, NM_001378416.1, NM_001378417.1 and 1 more transcripts).
Identifiers: ClinVar variation 703687 (VCV000703687.8), dbSNP rs759109915, ClinGen allele CA2200003.